The following is an entry in ClinVar:

NM_145207.3(AFG2A):c.2242C>T (p.Arg748Cys)

Gene: AFG2A (AFG2 AAA ATPase homolog A; plus strand). Cytogenetic location: 4q28.1.
Variant type: single nucleotide variant.
Coding change: c.2242C>T on transcript NM_145207.3 (MANE Select); coding-DNA position 2242, C replaced by T.
Protein change: p.Arg748Cys; replaces arginine 748 with cysteine.
Molecular consequence: missense variant.
Genome position (GRCh38, 1-based): chr4:123,090,607, C>T. VCF-style: chr4-123090607-C-T. GRCh37 (hg19) VCF-style: chr4-124011762-C-T.
Other names: c.2239C>T, p.Arg747Cys (NM_001345856.2); short protein forms R747C, R748C.
Identifiers: ClinVar variation 1036646 (VCV001036646.2), dbSNP rs980624727, ClinGen allele CA105272378.

ClinVar aggregate classification (germline): Uncertain significance (1 of 4 stars; one submission).

Conditions:
Microcephaly-intellectual disability-sensorineural hearing loss-epilepsy-abnormal muscle tone syndrome (NEDHSB). Also called: NEURODEVELOPMENTAL DISORDER WITH HEARING LOSS, SEIZURES, AND BRAIN ABNORMALITIES. Identifiers: Orphanet 457351, MedGen C4225276, MONDO:0014698, OMIM 616577.

Allele frequency attached by ClinVar (database versions not stated): gnomAD exomes below 0.00001 and 0.00001.
gnomAD v4.1: 7 of 1,614,072 alleles (0.00043%); highest among the groups gnomAD compares: Middle Eastern, 0.033%; no homozygotes.

Submission:

Labcorp Genetics (formerly Invitae), Labcorp
Classification: Uncertain significance for Microcephaly-intellectual disability-sensorineural hearing loss-epilepsy-abnormal muscle tone syndrome. Last evaluated: 2022-07-29. Review status: criteria provided, single submitter. Criteria: Invitae Variant Classification Sherloc (09022015). Collection method: clinical testing. Allele origin: germline.
Comment: This sequence change replaces arginine, which is basic and polar, with cysteine, which is neutral and slightly polar, at codon 748 of the SPATA5 protein (p.Arg748Cys). This variant is present in population databases (no rsID available, gnomAD 0.003%). This variant has not been reported in the literature in individuals affected with SPATA5-related conditions. ClinVar contains an entry for this variant (Variation ID: 1036646). Advanced modeling of protein sequence and biophysical properties (such as structural, functional, and spatial information, amino acid conservation, physicochemical variation, residue mobility, and thermodynamic stability) performed at Invitae indicates that this missense variant is expected to disrupt SPATA5 protein function. In summary, the available evidence is currently insufficient to determine the role of this variant in disease. Therefore, it has been classified as a Variant of Uncertain Significance.